The following is an entry in ClinVar:

ClinVar aggregate classification (germline): Conflicting classifications of pathogenicity. Review status: criteria provided, conflicting classifications (1 of 4 stars). 2 submissions from 2 submitters: Uncertain significance (1); Likely benign (1). Last evaluated 2025-04-03.

Conditions:
Neuroblastoma, susceptibility to, 3. Also called: ALK-Related Neuroblastic Tumor Susceptibility. Identifiers: Orphanet 635, MedGen C2751681, MONDO:0013083, OMIM 613014.
Hereditary cancer-predisposing syndrome. Also called: Hereditary neoplastic syndrome; Neoplastic Syndromes, Hereditary; Hereditary Cancer Syndrome; Tumor predisposition. Identifiers: Orphanet 140162, MedGen C0027672, MeSH D009386, MONDO:0015356.

Submissions (2):

Ambry Genetics
Classification: Likely benign for Hereditary cancer-predisposing syndrome. Last evaluated: 2025-04-03. Review status: criteria provided, single submitter. Criteria: Ambry Variant Classification Scheme 2023. Collection method: clinical testing. Allele origin: germline.

Labcorp Genetics (formerly Invitae), Labcorp
Classification: Uncertain significance for Neuroblastoma, susceptibility to, 3. Last evaluated: 2024-07-16. Review status: criteria provided, single submitter. Criteria: Invitae Variant Classification Sherloc (09022015). Collection method: clinical testing. Allele origin: germline.
Comment: This sequence change creates a premature translational stop signal (p.Ile676Serfs*35) in the ALK gene. It is expected to result in an absent or disrupted protein product. However, the current clinical and genetic evidence is not sufficient to establish whether loss-of-function variants in ALK cause disease. This variant is present in population databases (no rsID available, gnomAD 0.0009%). This variant has not been reported in the literature in individuals affected with ALK-related conditions. ClinVar contains an entry for this variant (Variation ID: 572488). In summary, the available evidence is currently insufficient to determine the role of this variant in disease. Therefore, it has been classified as a Variant of Uncertain Significance.

NM_004304.5(ALK):c.2025del (p.Ile676fs)

Gene: ALK (ALK receptor tyrosine kinase; minus strand). Cytogenetic location: 2p23.2.
Variant type: Deletion.
Coding change: c.2025del on transcript NM_004304.5 (MANE Select); coding-DNA position 2025, one base deleted (C; older notation c.2025delC).
Protein change: p.Ile676fs; shifts the reading frame from isoleucine 676.
Molecular consequence: frameshift variant.
Genome position (GRCh38, 1-based): chr2:29,275,115, G deleted on the plus strand (C on the coding strand, the reverse complement: ALK is on the minus strand); the first of 5 consecutive G bases (chr2:29,275,115-29,275,119); deleting any one gives the same sequence. VCF-style (leftmost placement, unchanged base first): chr2-29275114-TG-T. GRCh37 (hg19) VCF-style: chr2-29497980-TG-T.
Other names: short protein forms I676fs.
Identifiers: ClinVar variation 572488 (VCV000572488.7), dbSNP rs35670445, ClinGen allele CA425619462.